The following is an entry in ClinVar:

NM_005228.5(EGFR):c.1870T>C (p.Cys624Arg)

Gene: EGFR (epidermal growth factor receptor; plus strand). Cytogenetic location: 7p11.2.
Variant type: single nucleotide variant.
Coding change: c.1870T>C on transcript NM_005228.5 (MANE Select); coding-DNA position 1870, T replaced by C.
Protein change: p.Cys624Arg; replaces cysteine 624 with arginine.
Molecular consequence: missense variant.
Genome position (GRCh38, 1-based): chr7:55,165,427, T>C. VCF-style: chr7-55165427-T-C. GRCh37 (hg19) VCF-style: chr7-55233120-T-C.
Other names: c.1735T>C, p.Cys579Arg (NM_001346897.2, NM_001346899.2); c.1870T>C, p.Cys624Arg (NM_001346898.2, NM_201282.2, NM_201284.2); c.1711T>C, p.Cys571Arg (NM_001346900.2); c.1069T>C, p.Cys357Arg (NM_001346941.2); short protein forms C357R, C579R, C571R, C624R.
Identifiers: ClinVar variation 1389750 (VCV001389750.8), dbSNP rs2128946516, ClinGen allele CA367581114.

ClinVar aggregate classification (germline): Uncertain significance (1 of 4 stars; one submission).

Conditions:
EGFR-related lung cancer (EGFR). Identifiers: MedGen CN130014.

Submission:

Labcorp Genetics (formerly Invitae), Labcorp
Classification: Uncertain significance for EGFR-related lung cancer. Last evaluated: 2022-06-29. Review status: criteria provided, single submitter. Criteria: Invitae Variant Classification Sherloc (09022015). Collection method: clinical testing. Allele origin: germline.
Comment: In summary, the available evidence is currently insufficient to determine the role of this variant in disease. Therefore, it has been classified as a Variant of Uncertain Significance. Algorithms developed to predict the effect of missense changes on protein structure and function are either unavailable or do not agree on the potential impact of this missense change (SIFT: "Deleterious"; PolyPhen-2: "Probably Damaging"; Align-GVGD: "Class C0"). This variant has not been reported in the literature in individuals affected with EGFR-related conditions. This variant is not present in population databases (gnomAD no frequency). This sequence change replaces cysteine, which is neutral and slightly polar, with arginine, which is basic and polar, at codon 624 of the EGFR protein (p.Cys624Arg).